The following is an entry in ClinVar:

ClinVar aggregate classification (germline): Uncertain significance (1 of 4 stars; one submission).

gnomAD v4.1: 2 of 1,613,796 alleles (0.00012%); highest among the groups gnomAD compares: Admixed American, 0.0017%; no homozygotes.

Submission:

Labcorp Genetics (formerly Invitae), Labcorp
Classification: Uncertain significance. Last evaluated: 2024-12-24. Review status: criteria provided, single submitter. Criteria: Invitae Variant Classification Sherloc (09022015). Collection method: clinical testing. Allele origin: germline.
Comment: This sequence change replaces arginine, which is basic and polar, with glutamine, which is neutral and polar, at codon 401 of the CPOX protein (p.Arg401Gln). This variant is not present in population databases (gnomAD no frequency). This variant has not been reported in the literature in individuals affected with CPOX-related conditions. Invitae Evidence Modeling of protein sequence and biophysical properties (such as structural, functional, and spatial information, amino acid conservation, physicochemical variation, residue mobility, and thermodynamic stability) indicates that this missense variant is expected to disrupt CPOX protein function with a positive predictive value of 80%. Algorithms developed to predict the effect of sequence changes on RNA splicing suggest that this variant may disrupt the consensus splice site. In summary, the available evidence is currently insufficient to determine the role of this variant in disease. Therefore, it has been classified as a Variant of Uncertain Significance.

NM_000097.7(CPOX):c.1202G>A (p.Arg401Gln)

Gene: CPOX (coproporphyrinogen oxidase; minus strand). Cytogenetic location: 3q11.2.
Variant type: single nucleotide variant.
Coding change: c.1202G>A on transcript NM_000097.7 (MANE Select); coding-DNA position 1202, G replaced by A.
Protein change: p.Arg401Gln; replaces arginine 401 with glutamine.
Molecular consequence: missense variant.
Genome position (GRCh38, 1-based): chr3:98,581,482, C>T on the plus strand (G>A on the coding strand, the complement: CPOX is on the minus strand). VCF-style: chr3-98581482-C-T. GRCh37 (hg19) VCF-style: chr3-98300326-C-T.
Other names: short protein forms R401Q.
Identifiers: ClinVar variation 3687486 (VCV003687486.2).